The following is an entry in ClinVar:

ClinVar aggregate classification (germline): Uncertain significance. Review status: criteria provided, multiple submitters, no conflicts (2 of 4 stars). 5 submissions from 5 submitters: Uncertain significance (5). Last evaluated 2025-05-11.

Conditions:
RYR1-related disorder. Also called: RYR1-related disorders; RYR1-related condition. Identifiers: MedGen CN239331.
Malignant hyperthermia, susceptibility to, 1 (MHS1). Also called: Anesthesia related hyperthermia; Malignant hyperpyrexia; Fulminating hyperpyrexia; Pharmacogenic myopathy; RYR1-Related Malignant Hyperthermia Susceptibility; Malignant hyperthermia suceptibility 1. Identifiers: Orphanet 423, MedGen C2930980, MONDO:0007783, OMIM 145600.

Allele frequency attached by ClinVar (database versions not stated): TOPMed below 0.00001; gnomAD 0.00001; gnomAD exomes 0.00001 and 0.00002.
gnomAD v4.1: 20 of 1,613,924 alleles (0.0012%); highest among the groups gnomAD compares: East Asian, 0.04%; no homozygotes.

Submissions (5):

Labcorp Genetics (formerly Invitae), Labcorp
Classification: Uncertain significance for RYR1-related disorder. Last evaluated: 2025-05-11. Review status: criteria provided, single submitter. Criteria: Invitae Variant Classification Sherloc (09022015). Collection method: clinical testing. Allele origin: germline.
Comment: This sequence change replaces alanine, which is neutral and non-polar, with threonine, which is neutral and polar, at codon 612 of the RYR1 protein (p.Ala612Thr). This variant is present in population databases (no rsID available, gnomAD 0.04%). This missense change has been observed in individual(s) with neuroleptic malignant syndrome (PMID: 19931341). ClinVar contains an entry for this variant (Variation ID: 590489). Invitae Evidence Modeling of protein sequence and biophysical properties (such as structural, functional, and spatial information, amino acid conservation, physicochemical variation, residue mobility, and thermodynamic stability) indicates that this missense variant is expected to disrupt RYR1 protein function with a positive predictive value of 95%. In summary, the available evidence is currently insufficient to determine the role of this variant in disease. Therefore, it has been classified as a Variant of Uncertain Significance.

All of Us Research Program, National Institutes of Health
Classification: Uncertain significance for Malignant hyperthermia, susceptibility to, 1. Last evaluated: 2024-02-05. Review status: criteria provided, single submitter. Criteria: ACMG Guidelines, 2015. Collection method: clinical testing. Allele origin: germline. Inheritance: Autosomal dominant inheritance. Observed: 6 variant alleles, 6 heterozygotes.
Comment: This missense variant replaces alanine with threonine at codon 612 of the RYR1 protein. Computational prediction suggests that this variant may have deleterious impact on protein structure and function (internally defined REVEL score threshold >= 0.7, PMID: 27666373). To our knowledge, functional studies have not been reported for this variant. This variant has not been reported in individuals affected with autosomal dominant malignant hyperthermia in the literature, although it has been reported in an individual with neuroleptic malignant syndrome (PMID: 19931341). This variant has been identified in 7/282870 chromosomes in the general population by the Genome Aggregation Database (gnomAD). Due to insufficient evidence, this variant is classified as a Variant of Uncertain Significance for autosomal dominant malignant hyperthermia.

This study involves interpretation of variants in research participants for the purpose of population health screening. Participant phenotype was not available at the time of variant classification. Additional details can be found in publication PMID: 35346344, PMCID: PMC8962531

Color Diagnostics, LLC DBA Color Health
Classification: Uncertain significance for Malignant hyperthermia, susceptibility to, 1. Last evaluated: 2023-10-02. Review status: criteria provided, single submitter. Criteria: ACMG Guidelines, 2015. Collection method: clinical testing. Allele origin: germline.
Comment: This missense variant replaces alanine with threonine at codon 612 of the RYR1 protein. Computational prediction suggests that this variant may have deleterious impact on protein structure and function. To our knowledge, functional studies have not been reported for this variant. This variant has not been reported in individuals affected with autosomal dominant malignant hyperthermia in the literature, although it has been reported in an individual with neuroleptic malignant syndrome (PMID: 19931341). This variant has been identified in 7/282870 chromosomes in the general population by the Genome Aggregation Database (gnomAD). Due to insufficient evidence, this variant is classified as a Variant of Uncertain Significance for autosomal dominant malignant hyperthermia.

Revvity Omics, Revvity
Classification: Uncertain significance. Last evaluated: 2021-08-23. Review status: criteria provided, single submitter. Criteria: ACMG Guidelines, 2015. Collection method: clinical testing. Allele origin: germline.

PreventionGenetics, part of Exact Sciences
Classification: Uncertain significance. Last evaluated: 2016-06-13. Review status: criteria provided, single submitter. Criteria: ACMG Guidelines, 2015. Collection method: clinical testing. Allele origin: germline.

Literature cited by the submitters: PubMed 19931341 (cited by 3 submitters).

NM_000540.3(RYR1):c.1834G>A (p.Ala612Thr)

Gene: RYR1 (ryanodine receptor 1; plus strand). Cytogenetic location: 19q13.2.
Variant type: single nucleotide variant.
Coding change: c.1834G>A on transcript NM_000540.3 (MANE Select); coding-DNA position 1834, G replaced by A.
Protein change: p.Ala612Thr; replaces alanine 612 with threonine.
Molecular consequence: missense variant.
Genome position (GRCh38, 1-based): chr19:38,457,539, G>A. VCF-style: chr19-38457539-G-A. GRCh37 (hg19) VCF-style: chr19-38948179-G-A.
Other names: c.1834G>A, p.Ala612Thr (NM_001042723.2); short protein forms A612T.
Identifiers: ClinVar variation 590489 (VCV000590489.10), dbSNP rs118204423, ClinGen allele CA308125184.